The following is an entry in ClinVar:

NM_147127.5(EVC2):c.520-129G>A

Gene: EVC2 (EvC ciliary complex subunit 2; minus strand). Cytogenetic location: 4p16.2.
Variant type: single nucleotide variant.
Coding change: c.520-129G>A on transcript NM_147127.5 (MANE Select); 129 bases into the intron before coding-DNA position 520, G replaced by A.
Molecular consequence: intron variant.
Genome position (GRCh38, 1-based): chr4:5,689,472, C>T on the plus strand (G>A on the coding strand, the complement: EVC2 is on the minus strand). VCF-style: chr4-5689472-C-T. GRCh37 (hg19) VCF-style: chr4-5691199-C-T.
Other names: c.280-129G>A (NM_001166136.2).
Identifiers: ClinVar variation 667862 (VCV000667862.1), dbSNP rs10937661, ClinGen allele CA11844492.

ClinVar aggregate classification (germline): Benign (1 of 4 stars; one submission).

Allele frequency attached by ClinVar (database versions not stated): gnomAD 0.93159 and 0.93181; TOPMed 0.93349; 1000 Genomes Project 30x 0.94785; 1000 Genomes Project 0.94988.
gnomAD v4.1: 796,367 of 866,720 alleles (92%); highest among the groups gnomAD compares: African/African-American, 97%; 366,384 homozygotes.

Submission:

GeneDx
Classification: Benign. Last evaluated: 2018-06-14. Review status: criteria provided, single submitter. Criteria: GeneDx Variant Classification (06012015). Collection method: clinical testing. Allele origin: germline. Affected: yes.
Comment: This variant is considered likely benign or benign based on one or more of the following criteria: it is a conservative change, it occurs at a poorly conserved position in the protein, it is predicted to be benign by multiple in silico algorithms, and/or has population frequency not consistent with disease.